The following is an entry in ClinVar:

ClinVar aggregate classification (germline): Uncertain significance. Review status: criteria provided, multiple submitters, no conflicts (2 of 4 stars). 2 submissions from 2 submitters: Uncertain significance (2). Last evaluated 2025-11-03.

Conditions:
Hereditary cancer-predisposing syndrome. Also called: Hereditary Cancer Syndrome; Hereditary neoplastic syndrome; Neoplastic Syndromes, Hereditary; Tumor predisposition. Identifiers: Orphanet 140162, MedGen C0027672, MeSH D009386, MONDO:0015356.
Tuberous sclerosis 1 (TSC1). Identifiers: Orphanet 805, MedGen C1854465, MONDO:0008612, OMIM 191100.

Submissions (2):

Ambry Genetics
Classification: Uncertain significance for Hereditary cancer-predisposing syndrome. Last evaluated: 2025-11-03. Review status: criteria provided, single submitter. Criteria: Ambry Variant Classification Scheme 2023. Collection method: clinical testing. Allele origin: germline.
Comment: The p.L166P variant (also known as c.497T>C), located in coding exon 4 of the TSC1 gene, results from a T to C substitution at nucleotide position 497. The leucine at codon 166 is replaced by proline, an amino acid with similar properties. This amino acid position is conserved. In addition, this alteration is predicted to be deleterious by in silico analysis. Based on the available evidence, the clinical significance of this variant remains unclear.

Labcorp Genetics (formerly Invitae), Labcorp
Classification: Uncertain significance for Tuberous sclerosis 1. Last evaluated: 2023-02-16. Review status: criteria provided, single submitter. Criteria: Invitae Variant Classification Sherloc (09022015). Collection method: clinical testing. Allele origin: germline.
Comment: This sequence change replaces leucine, which is neutral and non-polar, with proline, which is neutral and non-polar, at codon 166 of the TSC1 protein (p.Leu166Pro). This variant is not present in population databases (gnomAD no frequency). This variant has not been reported in the literature in individuals affected with TSC1-related conditions. Advanced modeling of protein sequence and biophysical properties (such as structural, functional, and spatial information, amino acid conservation, physicochemical variation, residue mobility, and thermodynamic stability) performed at Invitae indicates that this missense variant is not expected to disrupt TSC1 protein function. In summary, the available evidence is currently insufficient to determine the role of this variant in disease. Therefore, it has been classified as a Variant of Uncertain Significance.

NM_000368.5(TSC1):c.497T>C (p.Leu166Pro)

Gene: TSC1 (TSC complex subunit 1; minus strand). Cytogenetic location: 9q34.13.
Variant type: single nucleotide variant.
Coding change: c.497T>C on transcript NM_000368.5 (MANE Select); coding-DNA position 497, T replaced by C.
Protein change: p.Leu166Pro; replaces leucine 166 with proline.
Molecular consequence: missense variant. On other transcripts: 5 prime UTR variant (5), non-coding transcript variant (5).
Genome position (GRCh38, 1-based): chr9:132,923,359, A>G on the plus strand (T>C on the coding strand, the complement: TSC1 is on the minus strand). VCF-style: chr9-132923359-A-G. GRCh37 (hg19) VCF-style: chr9-135798746-A-G.
Other names: c.497T>C, p.Leu166Pro (NM_001162426.2, NM_001406592.1, NM_001406593.1 and 16 more transcripts); c.344T>C, p.Leu115Pro (NM_001162427.2, NM_001406610.1, NM_001406611.1 and 2 more transcripts); c.134T>C, p.Leu45Pro (NM_001362177.2, NM_001406614.1, NM_001406615.1 and 10 more transcripts); c.-381T>C (NM_001406626.1, NM_001406627.1, NM_001406628.1); c.-523T>C (NM_001406629.1); c.-597T>C (NM_001406630.1); short protein forms L45P, L115P, L166P.
Identifiers: ClinVar variation 2838081 (VCV002838081.4), dbSNP rs2539036708, ClinGen allele CA375373141.